The following is an entry in ClinVar:

NM_000038.6(APC):c.2855C>T (p.Ala952Val)

Gene: APC (APC regulator of Wnt signaling pathway; plus strand). Cytogenetic location: 5q22.2.
Variant type: single nucleotide variant.
Coding change: c.2855C>T on transcript NM_000038.6 (MANE Select); coding-DNA position 2855, C replaced by T.
Protein change: p.Ala952Val; replaces alanine 952 with valine.
Molecular consequence: missense variant.
Genome position (GRCh38, 1-based): chr5:112,838,449, C>T. VCF-style: chr5-112838449-C-T. GRCh37 (hg19) VCF-style: chr5-112174146-C-T.
Other names: c.2855C>T, p.Ala952Val (NM_001127510.3, NM_001354895.2); c.2801C>T, p.Ala934Val (NM_001127511.3); c.2909C>T, p.Ala970Val (NM_001354896.2); c.2885C>T, p.Ala962Val (NM_001354897.2); c.2780C>T, p.Ala927Val (NM_001354898.2); c.2771C>T, p.Ala924Val (NM_001354899.2); c.2732C>T, p.Ala911Val (NM_001354900.2); c.2678C>T, p.Ala893Val (NM_001354901.2); and 5 more; short protein forms A934V, A952V, A669V, A927V, A970V, A792V, A826V, A851V.
Identifiers: ClinVar variation 246136 (VCV000246136.38), dbSNP rs776560257, ClinGen allele CA10584245.
Genomic context (GRCh38, chr5:112,838,449, plus strand): 5'-CAAACACTTACAATTTCACTAAGTCGGAAAATTCAAATAGGACATGTTCTATGCCTTATG[C>T]CAAATTAGAATACAAGAGATCTTCAAATGATAGTTTAAATAGTGTCAGTAGTAGTGATGG-3'
Protein context (NP_000029.2, residues 942-962): NSNRTCSMPY[Ala952Val]KLEYKRSSND

ClinVar aggregate classification (germline): Uncertain significance. Review status: criteria provided, multiple submitters, no conflicts (2 of 4 stars). 7 submissions from 7 submitters: Uncertain significance (7). Last evaluated 2026-06-09.

Conditions:
Classic or attenuated familial adenomatous polyposis. Identifiers: MedGen CN372698, MONDO:0021057.
Hereditary cancer-predisposing syndrome. Also called: Neoplastic Syndromes, Hereditary; Hereditary Cancer Syndrome; Tumor predisposition; Hereditary neoplastic syndrome. Identifiers: Orphanet 140162, MedGen C0027672, MeSH D009386, MONDO:0015356.
Familial adenomatous polyposis 1 (FAP1). Also called: FAMILIAL ADENOMATOUS POLYPOSIS 1, ATTENUATED; POLYPOSIS, ADENOMATOUS INTESTINAL. Identifiers: MedGen C2713442, MONDO:0021056, OMIM 175100. Disease mechanism: loss of function.

Allele frequency attached by ClinVar (database versions not stated): TOPMed 0.00002.
gnomAD v4.1: 7 of 1,613,974 alleles (0.00043%); highest among the groups gnomAD compares: Non-Finnish European, 0.00059%; no homozygotes.

Submissions (7):

Ambry Genetics
Classification: Uncertain significance for Hereditary cancer-predisposing syndrome. Last evaluated: 2026-06-09. Review status: criteria provided, single submitter. Criteria: Ambry Variant Classification Scheme 2023. Collection method: clinical testing. Allele origin: germline.

Labcorp Genetics (formerly Invitae), Labcorp
Classification: Uncertain significance for Familial adenomatous polyposis 1. Last evaluated: 2026-01-06. Review status: criteria provided, single submitter. Criteria: Invitae Variant Classification Sherloc (09022015). Collection method: clinical testing. Allele origin: germline.
Comment: This sequence change replaces alanine, which is neutral and non-polar, with valine, which is neutral and non-polar, at codon 952 of the APC protein (p.Ala952Val). This variant is present in population databases (no rsID available, gnomAD 0.0009%). This missense change has been observed in individual(s) with familial adenomatous polyposis (FAP) (PMID: 21520333). ClinVar contains an entry for this variant (Variation ID: 246136). Invitae Evidence Modeling of protein sequence and biophysical properties (such as structural, functional, and spatial information, amino acid conservation, physicochemical variation, residue mobility, and thermodynamic stability) indicates that this missense variant is not expected to disrupt APC protein function with a negative predictive value of 95%. In summary, the available evidence is currently insufficient to determine the role of this variant in disease. Therefore, it has been classified as a Variant of Uncertain Significance.

Quest Diagnostics Nichols Institute San Juan Capistrano
Classification: Uncertain significance. Last evaluated: 2025-03-07. Review status: criteria provided, single submitter. Criteria: Quest Diagnostics criteria. Collection method: clinical testing. Allele origin: unknown.
Comment: The APC c.2855C>T (p.Ala952Val) variant has been reported in the published literature in individuals with colorectal cancer (PMID: 29245953 (2017), 27149842 (2016)). The frequency of this variant in the general population (Genome Aggregation Database) is uninformative in the assessment of its pathogenicity. Analysis of this variant using bioinformatics tools for the prediction of the effect of amino acid changes on protein structure and function yielded predictions that this variant is benign. Based on the available information, we are unable to determine the clinical significance of this variant.

Color Diagnostics, LLC DBA Color Health
Classification: Uncertain significance for Hereditary cancer-predisposing syndrome. Last evaluated: 2024-03-06. Review status: criteria provided, single submitter. Criteria: ACMG Guidelines, 2015. Collection method: clinical testing. Allele origin: germline.
Comment: This missense variant replaces alanine with valine at codon 952 of the APC protein. Computational prediction suggests that this variant may not impact protein structure and function (internally defined REVEL score threshold <= 0.5, PMID: 27666373). To our knowledge, functional studies have not been reported for this variant. This variant has not been reported in individuals affected with APC-related disorders in the literature. This variant has been identified in 1/250814 chromosomes in the general population by the Genome Aggregation Database (gnomAD). The available evidence is insufficient to determine the role of this variant in disease conclusively. Therefore, this variant is classified as a Variant of Uncertain Significance.

All of Us Research Program, National Institutes of Health
Classification: Uncertain significance for Classic or attenuated familial adenomatous polyposis. Last evaluated: 2023-10-27. Review status: criteria provided, single submitter. Criteria: ACMG Guidelines, 2015. Collection method: clinical testing. Allele origin: germline. Inheritance: Autosomal dominant inheritance. Observed: 3 variant alleles, 3 heterozygotes.
Comment: This missense variant replaces alanine with valine at codon 952 of the APC protein. Computational prediction suggests that this variant may not impact protein structure and function (internally defined REVEL score threshold <= 0.5, PMID: 27666373). To our knowledge, functional studies have not been reported for this variant. This variant has not been reported in individuals affected with APC-related disorders in the literature. This variant has been identified in 1/250814 chromosomes in the general population by the Genome Aggregation Database (gnomAD). The available evidence is insufficient to determine the role of this variant in disease conclusively. Therefore, this variant is classified as a Variant of Uncertain Significance.

This study involves interpretation of variants in research participants for the purpose of population health screening. Participant phenotype was not available at the time of variant classification. Additional details can be found in publication PMID: 35346344, PMCID: PMC8962531

Sema4
Classification: Uncertain significance for Hereditary cancer-predisposing syndrome. Last evaluated: 2021-11-15. Review status: criteria provided, single submitter. Criteria: Sema4 Curation Guidelines. Collection method: curation. Allele origin: germline.
Comment: The APC c.2855C>T (p.A952V) variant has not been reported in the literature to our knowledge. It was observed in 1/250814 chromosomes in the large and broad cohorts of the Genome Aggregation Database (PMID: 32461654). This variant has been reported in ClinVar (Variation ID: 246136). Functional studies have not been performed, and in silico predictions of the variant's effect on protein function are inconclusive. The evidence is insufficient to meet ACMG/AMP criteria for classifying the variant as benign or pathogenic. Thus, the clinical significance of this variant is currently uncertain.

GeneDx
Classification: Uncertain significance. Last evaluated: 2017-11-22. Review status: criteria provided, single submitter. Criteria: GeneDx Variant Classification (06012015). Collection method: clinical testing. Allele origin: germline. Affected: yes.
Comment: This variant is denoted APC c.2855C>T at the cDNA level, p.Ala952Val (A952V) at the protein level, and results in the change of an Alanine to a Valine (GCC>GTC). This variant has not, to our knowledge, been published in the literature as pathogenic or benign. APC Ala952Val was not observed at a significant allele frequency in large population cohorts (Lek 2016). Since Alanine and Valine share similar properties, this is considered a conservative amino acid substitution. APC Ala952Val is not located in a known functional domain. In-silico analyses, including protein predictors and evolutionary conservation, support that this variant does not alter protein structure or function. Based on currently available evidence, it is unclear whether APC Ala952Val is a pathogenic or benign variant. We consider it to be a variant of uncertain significance.

Literature cited by the submitters: PubMed 21520333 (cited by Labcorp Genetics (formerly Invitae), Labcorp); PubMed 29245953 (cited by Quest Diagnostics Nichols Institute San Juan Capistrano); PubMed 27149842 (cited by Quest Diagnostics Nichols Institute San Juan Capistrano).